The following is an entry in ClinVar:

NM_000535.7(PMS2):c.986C>G (p.Ser329Ter)

Gene: PMS2 (PMS1 homolog 2, mismatch repair system component; minus strand). Cytogenetic location: 7p22.1.
Variant type: single nucleotide variant.
Coding change: c.986C>G on transcript NM_000535.7 (MANE Select); coding-DNA position 986, C replaced by G.
Protein change: p.Ser329Ter; replaces serine 329 with a stop codon.
Molecular consequence: nonsense. On other transcripts: non-coding transcript variant (1).
Genome position (GRCh38, 1-based): chr7:5,991,975, G>C on the plus strand (C>G on the coding strand, the complement: PMS2 is on the minus strand). VCF-style: chr7-5991975-G-C. GRCh37 (hg19) VCF-style: chr7-6031606-G-C.
Other names: c.581C>G, p.Ser194Ter (NM_001322003.2, NM_001322004.2, NM_001322005.2 and 2 more transcripts); c.986C>G, p.Ser329Ter (NM_001322006.2, NM_001322014.2); c.668C>G, p.Ser223Ter (NM_001322007.2, NM_001322008.2); c.53C>G, p.Ser18Ter (NM_001322011.2, NM_001322012.2); c.413C>G, p.Ser138Ter (NM_001322013.2); c.677C>G, p.Ser226Ter (NM_001322015.2); short protein forms S329*, S138*, S18*, S223*, S226*, S194*.
Identifiers: ClinVar variation 545975 (VCV000545975.13), dbSNP rs1461669945, ClinGen allele CA366743059.

ClinVar aggregate classification (germline): Pathogenic. Review status: criteria provided, multiple submitters, no conflicts (2 of 4 stars). 5 submissions from 5 submitters: Pathogenic (5). Last evaluated 2025-12-19.

Conditions:
Hereditary nonpolyposis colorectal neoplasms. Identifiers: MedGen C0009405, MeSH D003123.
Hereditary cancer-predisposing syndrome. Also called: Tumor predisposition; Hereditary Cancer Syndrome; Neoplastic Syndromes, Hereditary; Hereditary neoplastic syndrome. Identifiers: Orphanet 140162, MedGen C0027672, MeSH D009386, MONDO:0015356.
Lynch syndrome 4 (LYNCH4). Also called: Colorectal cancer, hereditary nonpolyposis, type 4; Hereditary non-polyposis colorectal cancer, type 4. Identifiers: Orphanet 144, MedGen C1838333, MONDO:0013699, OMIM 614337. Disease mechanism: loss of function.

Submissions (5):

Ambry Genetics
Classification: Pathogenic for Hereditary cancer-predisposing syndrome. Last evaluated: 2025-12-19. Review status: criteria provided, single submitter. Criteria: Ambry Variant Classification Scheme 2023. Collection method: clinical testing. Allele origin: germline.
Comment: The p.S329* pathogenic mutation (also known as c.986C>G), located in coding exon 9 of the PMS2 gene, results from a C to G substitution at nucleotide position 986. This changes the amino acid from a serine to a stop codon within coding exon 9. This variant is considered to be rare based on population cohorts in the Genome Aggregation Database (gnomAD). This alteration is expected to result in loss of function by premature protein truncation or nonsense-mediated mRNA decay. As such, this alteration is interpreted as a disease-causing mutation.

ARUP Laboratories, Molecular Genetics and Genomics, ARUP Laboratories
Classification: Pathogenic. Last evaluated: 2023-04-26. Review status: criteria provided, single submitter. Criteria: ARUP Molecular Germline Variant Investigation Process 2024. Collection method: clinical testing. Allele origin: germline.
Comment: The PMS2 c.986C>G; p.Ser329Ter variant (rs1461669945), to our knowledge, is not reported in the medical literature but is reported in ClinVar (Variation ID: 545975). This variant is absent from the Genome Aggregation Database, indicating it is not a common polymorphism. This variant induces an early termination codon and is predicted to result in a truncated protein or mRNA subject to nonsense-mediated decay. Based on available information, this variant is considered to be pathogenic.

Myriad Genetics, Inc.
Classification: Pathogenic for Lynch syndrome 4. Last evaluated: 2023-03-28. Review status: criteria provided, single submitter. Criteria: Myriad Autosomal Dominant, Autosomal Recessive and X-Linked Classification Criteria (2023). Collection method: clinical testing. Allele origin: unknown.
Comment: This variant is considered pathogenic. This variant creates a termination codon and is predicted to result in premature protein truncation.

Labcorp Genetics (formerly Invitae), Labcorp
Classification: Pathogenic for Hereditary nonpolyposis colorectal neoplasms. Last evaluated: 2022-03-07. Review status: criteria provided, single submitter. Criteria: Invitae Variant Classification Sherloc (09022015). Collection method: clinical testing. Allele origin: germline.
Comment: For these reasons, this variant has been classified as Pathogenic. ClinVar contains an entry for this variant (Variation ID: 545975). This variant has not been reported in the literature in individuals affected with PMS2-related conditions. This variant is not present in population databases (gnomAD no frequency). This sequence change creates a premature translational stop signal (p.Ser329*) in the PMS2 gene. It is expected to result in an absent or disrupted protein product. Loss-of-function variants in PMS2 are known to be pathogenic (PMID: 21376568, 24362816).

GeneDx
Classification: Pathogenic. Last evaluated: 2016-03-02. Review status: criteria provided, single submitter. Criteria: GeneDx Variant Classification (06012015). Collection method: clinical testing. Allele origin: germline. Affected: yes.
Comment: This variant is denoted PMS2 c.986C>G at the cDNA level and p.Ser329Ter (S329X) at the protein level. The substitution creates a nonsense variant, which changes a Serine to a premature stop codon (TCA>TGA) , and is predicted to cause loss of normal protein function through either protein truncation or nonsense-mediated mRNA decay. Although this variant has not, to our knowledge, been reported in the literature, it is considered pathogenic.

Literature cited by the submitters: PubMed 21376568 (cited by Labcorp Genetics (formerly Invitae), Labcorp); PubMed 24362816 (cited by Labcorp Genetics (formerly Invitae), Labcorp).